The following is an entry in ClinVar:

ClinVar aggregate classification (germline): Conflicting classifications of pathogenicity. Review status: criteria provided, conflicting classifications (1 of 4 stars). 5 submissions from 5 submitters: Uncertain significance (2); Likely benign (3). Last evaluated 2026-01-05.

Conditions:
Myofibrillar myopathy 5. Also called: FILAMINOPATHY, AUTOSOMAL DOMINANT; Filaminopathy (type). Identifiers: Orphanet 171445, MedGen C1836050, MONDO:0012289, OMIM 609524.
Distal myopathy with posterior leg and anterior hand involvement. Also called: WILLIAMS DISTAL MYOPATHY. Identifiers: Orphanet 63273, MedGen C3279722, MONDO:0013550, OMIM 614065.
Hypertrophic cardiomyopathy 26. Also called: Cardiomyopathy, familial hypertrophic, 26. Identifiers: Orphanet 75249, MedGen C4310749, MONDO:0014883, OMIM 617047.
Cardiovascular phenotype. Identifiers: MedGen CN230736.

Allele frequency attached by ClinVar (database versions not stated): gnomAD exomes 0.00002; TOPMed 0.00002; ExAC 0.00003; gnomAD 0.00003.
gnomAD v4.1: 56 of 1,613,750 alleles (0.0035%); highest among the groups gnomAD compares: African/African-American, 0.0053%; no homozygotes.

Submissions (5):

Labcorp Genetics (formerly Invitae), Labcorp
Classification: Likely benign for Distal myopathy with posterior leg and anterior hand involvement; Myofibrillar myopathy 5; Hypertrophic cardiomyopathy 26. Last evaluated: 2026-01-05. Review status: criteria provided, single submitter. Criteria: Invitae Variant Classification Sherloc (09022015). Collection method: clinical testing. Allele origin: germline.

Women's Health and Genetics/Laboratory Corporation of America, LabCorp
Classification: Uncertain significance. Last evaluated: 2025-09-30. Review status: criteria provided, single submitter. Criteria: LabCorp Variant Classification Summary - May 2015. Collection method: clinical testing. Allele origin: germline.

Ambry Genetics
Classification: Uncertain significance for Cardiovascular phenotype. Last evaluated: 2025-07-29. Review status: criteria provided, single submitter. Criteria: Ambry Variant Classification Scheme 2023. Collection method: clinical testing. Allele origin: germline.
Comment: The p.V2014M variant (also known as c.6040G>A), located in coding exon 37 of the FLNC gene, results from a G to A substitution at nucleotide position 6040. The valine at codon 2014 is replaced by methionine, an amino acid with highly similar properties. This amino acid position is conserved. In addition, this alteration is predicted to be tolerated by in silico analysis. Since supporting evidence is limited at this time, the clinical significance of this alteration remains unclear.

GeneDx
Classification: Likely benign. Last evaluated: 2020-11-27. Review status: criteria provided, single submitter. Criteria: GeneDx Variant Classification Process June 2021. Collection method: clinical testing. Allele origin: germline. Affected: yes.

Blueprint Genetics
Classification: Likely benign. Last evaluated: 2020-11-19. Review status: criteria provided, single submitter. Criteria: ACMG Guidelines, 2015. Collection method: clinical testing. Allele origin: germline.

NM_001458.5(FLNC):c.6040G>A (p.Val2014Met)

Genes: FLNC (filamin C; plus strand), FLNC-AS1 (FLNC antisense RNA 1; minus strand). Cytogenetic location: 7q32.1.
Variant type: single nucleotide variant.
Coding change: c.6040G>A on transcript NM_001458.5 (MANE Select); coding-DNA position 6040, G replaced by A.
Protein change: p.Val2014Met; replaces valine 2014 with methionine.
Molecular consequence: missense variant.
Genome position (GRCh38, 1-based): chr7:128,852,863, G>A. VCF-style: chr7-128852863-G-A. GRCh37 (hg19) VCF-style: chr7-128492917-G-A.
Other names: c.5941G>A, p.Val1981Met (NM_001127487.2); short protein forms V2014M, V1981M.
Identifiers: ClinVar variation 472123 (VCV000472123.19), dbSNP rs772477251, ClinGen allele CA4475875.